The following is an entry in ClinVar:

NM_000059.4(BRCA2):c.2322T>G (p.Thr774=)

Gene: BRCA2 (BRCA2 DNA repair associated; plus strand). Cytogenetic location: 13q13.1.
Variant type: single nucleotide variant.
Coding change: c.2322T>G on transcript NM_000059.4 (MANE Select); coding-DNA position 2322, T replaced by G.
Protein change: p.Thr774=; no amino-acid change (threonine 774 retained).
Molecular consequence: synonymous variant.
Genome position (GRCh38, 1-based): chr13:32,336,677, T>G. VCF-style: chr13-32336677-T-G. GRCh37 (hg19) VCF-style: chr13-32910814-T-G.
Identifiers: ClinVar variation 427400 (VCV000427400.12), dbSNP rs1131692124, ClinGen allele CA483437139.

ClinVar aggregate classification (germline): Likely benign. Review status: reviewed by expert panel (3 of 4 stars). 3 submissions from 3 submitters: Likely benign (1). 2 of the submissions do not count toward it. Last evaluated 2017-06-29.

Conditions:
Hereditary cancer-predisposing syndrome. Also called: Hereditary neoplastic syndrome; Hereditary Cancer Syndrome; Neoplastic Syndromes, Hereditary; Tumor predisposition. Identifiers: Orphanet 140162, MedGen C0027672, MeSH D009386, MONDO:0015356.
Breast-ovarian cancer, familial, susceptibility to, 2 (BROVCA2). Also called: BRCA2 Hereditary Breast and Ovarian Cancer. Identifiers: Orphanet 145, MedGen C2675520, MONDO:0012933, OMIM 612555. Disease mechanism: loss of function.
Hereditary breast ovarian cancer syndrome. Also called: Hereditary breast and ovarian cancer syndrome; BRCA1- and BRCA2-Associated Hereditary Breast and Ovarian Cancer; Hereditary breast and/or ovarian cancer syndrome; Hereditary breast and ovarian cancer; Breast and ovarian cancer; Hereditary breast and ovarian cancer syndrome (HBOC). Identifiers: Orphanet 145, MedGen C0677776, MeSH D061325, MONDO:0003582. Disease mechanism: loss of function.

gnomAD v4.1: 1 of 1,613,932 alleles (0.000062%); highest among the groups gnomAD compares: Non-Finnish European, 0.000085%; no homozygotes.

Submissions (3):

Evidence-based Network for the Interpretation of Germline Mutant Alleles (ENIGMA)
Classification: Likely benign for Breast-ovarian cancer, familial, susceptibility to, 2. Last evaluated: 2017-06-29. Review status: reviewed by expert panel. Criteria: ENIGMA BRCA1/2 Classification Criteria (2017-06-29). Collection method: curation. Allele origin: germline.
Comment: Synonymous substitution variant, with low bioinformatic likelihood to result in a splicing aberration (Splicing prior probability 0.02).

Labcorp Genetics (formerly Invitae), Labcorp
Classification: Likely benign for Hereditary breast ovarian cancer syndrome. Last evaluated: 2026-01-17. Review status: criteria provided, single submitter. Criteria: Invitae Variant Classification Sherloc (09022015). Collection method: clinical testing. Allele origin: germline. Not counted in ClinVar's aggregate classification.

Ambry Genetics
Classification: Likely benign for Hereditary cancer-predisposing syndrome. Last evaluated: 2022-11-27. Review status: criteria provided, single submitter. Criteria: Ambry Variant Classification Scheme 2023. Collection method: clinical testing. Allele origin: germline. Not counted in ClinVar's aggregate classification.